The following is an entry in ClinVar:

ClinVar aggregate classification (germline): Uncertain significance. Review status: criteria provided, multiple submitters, no conflicts (2 of 4 stars). 3 submissions from 3 submitters: Uncertain significance (3). Last evaluated 2024-12-03.

Conditions:
Inborn genetic diseases. Identifiers: MedGen C0950123, MeSH D030342.

Allele frequency attached by ClinVar (database versions not stated): gnomAD exomes 0.00001; ExAC 0.00003; TOPMed 0.00005; gnomAD 0.00007 and 0.00008; ESP Exome Variant Server 0.00008.

Submissions (3):

Ambry Genetics
Classification: Uncertain significance for Inborn genetic diseases. Last evaluated: 2024-12-03. Review status: criteria provided, single submitter. Criteria: Ambry Variant Classification Scheme 2023. Collection method: clinical testing. Allele origin: germline.

Labcorp Genetics (formerly Invitae), Labcorp
Classification: Uncertain significance. Last evaluated: 2024-10-04. Review status: criteria provided, single submitter. Criteria: Invitae Variant Classification Sherloc (09022015). Collection method: clinical testing. Allele origin: germline.
Comment: This sequence change replaces valine, which is neutral and non-polar, with isoleucine, which is neutral and non-polar, at codon 197 of the P3H2 protein (p.Val197Ile). This variant is present in population databases (rs150865227, gnomAD 0.02%). This variant has not been reported in the literature in individuals affected with P3H2-related conditions. ClinVar contains an entry for this variant (Variation ID: 1512946). Invitae Evidence Modeling of protein sequence and biophysical properties (such as structural, functional, and spatial information, amino acid conservation, physicochemical variation, residue mobility, and thermodynamic stability) indicates that this missense variant is not expected to disrupt P3H2 protein function with a negative predictive value of 80%. In summary, the available evidence is currently insufficient to determine the role of this variant in disease. Therefore, it has been classified as a Variant of Uncertain Significance.

Blueprint Genetics
Classification: Uncertain significance. Last evaluated: 2021-10-08. Review status: criteria provided, single submitter. Criteria: ACMG Guidelines, 2015. Collection method: clinical testing. Allele origin: germline.

NM_018192.4(P3H2):c.589G>A (p.Val197Ile)

Gene: P3H2 (prolyl 3-hydroxylase 2; minus strand). Cytogenetic location: 3q28.
Variant type: single nucleotide variant.
Coding change: c.589G>A on transcript NM_018192.4 (MANE Select); coding-DNA position 589, G replaced by A.
Protein change: p.Val197Ile; replaces valine 197 with isoleucine.
Molecular consequence: missense variant.
Genome position (GRCh38, 1-based): chr3:189,995,334, C>T on the plus strand (G>A on the coding strand, the complement: P3H2 is on the minus strand). VCF-style: chr3-189995334-C-T. GRCh37 (hg19) VCF-style: chr3-189713123-C-T.
Other names: c.46G>A, p.Val16Ile (NM_001134418.2); c.589G>A (NM_018192.3); short protein forms V16I, V197I.
Identifiers: ClinVar variation 1512946 (VCV001512946.8), dbSNP rs150865227, ClinGen allele CA2753301.
Genomic context (GRCh38, chr3:189,995,334, plus strand): 5'-GGCCCACAGAGCTTACCATGTGTGGCTTGGCTTCTCTGTCTACCAACTGCAATGCTTCAA[C>T]ACCAGCTGTCGCCCTGTAATTCTCAATGTTCTGCTGCATTTCCATGTGCTCAGGGTTAGC-3'
Protein context (NP_060662.2, residues 187-207): NIENYRATAG[Val197Ile]EALQLVDREA